The following is an entry in ClinVar:

ClinVar aggregate classification (germline): Likely benign. Review status: criteria provided, multiple submitters, no conflicts (2 of 4 stars). 4 submissions from 4 submitters: Likely benign (3). 1 of the submissions does not count toward it. Last evaluated 2025-07-29.

Conditions:
MYO5B-related disorder. Also called: MYO5B-related condition.

Submissions (4):

Mayo Clinic Laboratories, Mayo Clinic
Classification: Likely benign. Last evaluated: 2025-07-29. Review status: criteria provided, single submitter. Criteria: ACMG Guidelines, 2015. Collection method: clinical testing. Allele origin: germline. Observed: 1 variant allele.
Comment: BS1, BP4, BP7

Labcorp Genetics (formerly Invitae), Labcorp
Classification: Likely benign. Last evaluated: 2025-07-28. Review status: criteria provided, single submitter. Criteria: Invitae Variant Classification Sherloc (09022015). Collection method: clinical testing. Allele origin: germline.

Blueprint Genetics
Classification: Likely benign. Last evaluated: 2022-06-22. Review status: criteria provided, single submitter. Criteria: ACMG Guidelines, 2015. Collection method: clinical testing. Allele origin: germline.

PreventionGenetics, part of Exact Sciences
Classification: Likely benign for MYO5B-related condition. Last evaluated: 2021-04-07. Review status: no assertion criteria provided. Collection method: clinical testing. Allele origin: germline. Not counted in ClinVar's aggregate classification.
Comment: This variant is classified as likely benign based on ACMG/AMP sequence variant interpretation guidelines (Richards et al. 2015 PMID: 25741868, with internal and published modifications).

NM_001080467.3(MYO5B):c.2004-9del

Gene: MYO5B (myosin VB; minus strand). Cytogenetic location: 18q21.1.
Variant type: Deletion.
Coding change: c.2004-9del on transcript NM_001080467.3 (MANE Select); 9 bases into the intron before coding-DNA position 2004, one base deleted (C; older notation c.2004-9delC).
Molecular consequence: intron variant.
Genome position (GRCh38, 1-based): chr18:49,929,607, G deleted on the plus strand (C on the coding strand, the reverse complement: MYO5B is on the minus strand); the first of 2 consecutive G bases (chr18:49,929,607-49,929,608); deleting either gives the same sequence. VCF-style (leftmost placement, unchanged base first): chr18-49929606-AG-A. GRCh37 (hg19) VCF-style: chr18-47455976-AG-A.
Other names: p.?; c.2004-9delC (NM_001080467.2).
Identifiers: ClinVar variation 1596275 (VCV001596275.12), dbSNP rs773360831, ClinGen allele CA8961255.